The following is an entry in ClinVar:

NM_012452.3(TNFRSF13B):c.310T>C (p.Cys104Arg)

Gene: TNFRSF13B (TNF receptor superfamily member 13B; minus strand). Cytogenetic location: 17p11.2.
Variant type: single nucleotide variant.
Coding change: c.310T>C on transcript NM_012452.3 (MANE Select); coding-DNA position 310, T replaced by C.
Protein change: p.Cys104Arg; replaces cysteine 104 with arginine.
Molecular consequence: missense variant.
Genome position (GRCh38, 1-based): chr17:16,948,873, A>G on the plus strand (T>C on the coding strand, the complement: TNFRSF13B is on the minus strand). VCF-style: chr17-16948873-A-G. GRCh37 (hg19) VCF-style: chr17-16852187-A-G.
Other names: short protein forms C104R.
Identifiers: ClinVar variation 5302 (VCV000005302.116), dbSNP rs34557412, ClinGen allele CA117387.

ClinVar aggregate classification (germline): Conflicting classifications of pathogenicity; risk factor. Review status: criteria provided, conflicting classifications (1 of 4 stars). 55 submissions from 53 submitters: Pathogenic (21); Likely pathogenic (14); Uncertain significance (3). 16 of the submissions do not count toward it. Last evaluated 2026-09-25.

Conditions:
TNFRSF13B-related disorder. Also called: TNFRSF13B-related condition.
Severe SARS-CoV-2 infection, susceptibility to.
Immune deficiency, familial variable. Identifiers: Orphanet 1572, MedGen C1840266, MONDO:0007814, OMIM 146830.
Common variable immunodeficiency (CVID). Also called: Common variable hypogamma-globulinemia; Common variable agammaglobulinemia. Identifiers: Orphanet 1572, MedGen C0009447, MONDO:0015517.
Inborn genetic diseases. Identifiers: MedGen C0950123, MeSH D030342.
Immunodeficiency, common variable, 2 (CVID2). Also called: ANTIBODY DEFICIENCY DUE TO TACI DEFECT; HYPOGAMMAGLOBULINEMIA DUE TO TACI DEFICIENCY. Identifiers: Orphanet 1572, MedGen C3150354, MONDO:0009413, OMIM 240500.
Immunoglobulin A deficiency 2 (IGAD2). Identifiers: MedGen C1836032, MONDO:0012291, OMIM 609529.
Immunodeficiency, common variable, 1. Also called: ANTIBODY DEFICIENCY DUE TO ICOS DEFECT. Identifiers: Orphanet 1572, Orphanet 695183, MedGen C3149378, MONDO:0011864, OMIM 607594.
Primary ciliary dyskinesia. Also called: Ciliary dyskinesia. Identifiers: Orphanet 244, MedGen C0008780, MONDO:0016575, HP:0012265.

Allele frequency attached by ClinVar (database versions not stated): 1000 Genomes Project 30x 0.00172; ExAC 0.00321; gnomAD exomes 0.00350 and 0.00564; gnomAD 0.00391 and 0.00403; 1000 Genomes Project 0.00180; TOPMed 0.00422.

Submissions 1 to 8 of 55:

PreventionGenetics, part of Exact Sciences
Classification: Pathogenic for TNFRSF13B-related condition. Last evaluated: 2026-09-25. Review status: criteria provided, single submitter. Criteria: ACMG Guidelines, 2015. Collection method: clinical testing. Allele origin: germline.
Comment: The TNFRSF13B c.310T>C variant is predicted to result in the amino acid substitution p.Cys104Arg. This variant has previously been reported to be causative for both autosomal dominant and autosomal recessive forms of common variable immunodeficiency type 2, although autosomal recessive inheritance is more common (Salzer et al. 2005. PubMed ID: 16007087; Romberg et al. 2013. PubMed ID: 24051380). However, the c.310T>C variant has been shown to exhibit incomplete penetrance (Pan-Hammarström et al. 2007. PubMed ID: 17392797; Barroeta Seijas et al. 2012. PubMed ID: 22697072). Functional studies have shown the p.Cys104Arg variant impairs TACI ligand binding and B-cell function (Romberg et al. 2015. PubMed ID: 26100089; Lee et al. 2010. PubMed ID: 20889194). This variant is reported in 0.54% of alleles in individuals of European (Non-Finnish) descent in gnomAD. This variant is interpreted as pathogenic.

CeGaT Center for Human Genetics Tuebingen
Classification: Pathogenic. Last evaluated: 2026-08-01. Review status: criteria provided, single submitter. Criteria: CeGaT Center For Human Genetics Tuebingen Variant Classification Criteria Version 2. Collection method: clinical testing. Allele origin: germline. Affected: yes. Observed: 53 variant alleles.
Comment: TNFRSF13B: PP1:Strong, PM1, PS3:Moderate, PS4:Moderate

Division of Clinical Immunology and Allergy, Necmettin Erbakan University, Faculty of Medicine
Classification: Likely pathogenic for Immunodeficiency, common variable, 2; Immunoglobulin A deficiency 2. Last evaluated: 2026-05-14. Review status: criteria provided, single submitter. Criteria: ACMG Guidelines, 2015. Collection method: clinical testing. Allele origin: germline. Affected: yes. Observed: 1 variant allele.

Dasa
Classification: Pathogenic. Last evaluated: 2026-04-15. Review status: criteria provided, single submitter. Criteria: DASA Assertion Criteria. Collection method: clinical testing. Allele origin: germline.
Comment: NM_012452.3(TNFRSF13B):c.310T>C (p.Cys104Arg) is a missense variant that results in the substitution of cysteine with arginine. The affected residue or protein region has prior evidence supporting clinical relevance. Segregation evidence has been reported in affected families. This variant has been observed in affected individuals with related phenotype in a genotype context consistent with recessive disease (PMID: 16007087; PMID: 17492055; PMID: 20889194; PMID: 21419480; PMID: 21458042). Functional evidence supports a deleterious effect on the gene or gene product (PMID: 16007087; PMID: 17492055; PMID: 20889194; PMID: 21419480; PMID: 21458042). This variant has been recurrently observed in individuals with related phenotype (PMID: 16007087; PMID: 17492055; PMID: 20889194; PMID: 21419480; PMID: 21458042). Multiple computational predictions support a deleterious effect on the gene or gene product. The variant is present at low frequency in population datasets. Based on the available data, this variant is classified as pathogenic.

Victorian Clinical Genetics Services, Murdoch Childrens Research Institute
Classification: Pathogenic for Immunodeficiency, common variable, 2. Last evaluated: 2026-04-07. Review status: criteria provided, single submitter. Criteria: ACMG Guidelines, 2015. Collection method: clinical testing. Allele origin: germline. Affected: yes.
Comment: This variant is classified as Risk allele. Evidence in support of pathogenic classification: Variant is present in gnomAD (v4) <0.01 for a recessive condition (8719 heterozygotes, 32 homozygotes); This variant has moderate functional evidence supporting abnormal protein function. Functional studies have shown that this variant results in decreased cell surface expression, loss of BAFF binding and failed to activate NF-B or NF-AT activities (PMID: 21419480). In addition, mouse models with this variant also demonstrated loss of normal protein function (PMID: 21458042); Another missense variant comparable to the one identified in this case has limited previous evidence for pathogenicity. The p.(Cys104Tyr) variant has previously been reported in as likely pathogenic once in association with common variable immunodeficiency 2 (ClinVar); Missense variant consistently predicted to be damaging by multiple in silico tools or highly conserved with a major amino acid change. Additional information: Variant is predicted to result in a missense amino acid change from Cys to Arg; This variant is heterozygous; This gene is associated with both recessive and dominant disease (OMIM); An alternative amino acid change at the same position has been observed in gnomAD (v4) (244 heterozygote(s), 0 homozygote(s)). - Previous reports of pathogenicity for this variant are conflicting. This variant has previously been reported once as a VUS, but moreso as likely pathogenic, pathogenic and as a risk factor by clinical laboratories in ClinVar. It is also well-reported in the literature, however, this variant has been reported in both asymptomatic and symptomatic individuals in a heterozygous, compound heterozygous or homozygous state (PMID: 29114388; 22983507; 22697072). In at least one publication, individuals homozygous for this variant did not have CVID, thus questioning the pathogenicity of this variant (PMID: 19779048). In addition, variants in this gene have been referred to as a predisposing factor in combination with other genetic and environmental factors and should not be considered as disease-causing on their own (PMID: 31681265); Segregation evidence for this variant is inconclusive. In families reported with this variant, the mode of inheritance and cosegregation of this variant with disease cannot be determined (PMID: 2267072); Variant is located in the annotated TACI, cysteine-rich domain (DECIPHER); Loss of function is a known mechanism of disease in this gene and is associated with common variable immunodeficiency 2 (MIM#240500) and immunoglobulin A deficiency 2 (MIM#609529); The condition associated with this gene has incomplete penetrance. Asymptomatic individuals with monoallelic or biallelic variants have been reported (PMIDs: 34210994, 34441032); Variants in this gene are known to have variable expressivity (PMID: 34210994); Inheritance information for this variant is not currently available in this individual.

Department of Human Genetics, Hannover Medical School
Classification: Uncertain significance for Primary Ciliary Dyskinesia. Last evaluated: 2026-04-01. Review status: criteria provided, single submitter. Criteria: ACMG Guidelines, 2015. Collection method: research. Allele origin: germline. Affected: no.
Comment: Classification performed by HerediClassify using the following criteria:['PM5_protein_moderate: The following ClinVar entries show an amino acid change in the same position as (likely) pathogenic: True.', 'PP3_protein_moderate: Variant is predicted to be pathogenic by REVEL with evidence strength moderate.']

Ambry Genetics
Classification: Pathogenic for Inborn genetic diseases. Last evaluated: 2026-03-13. Review status: criteria provided, single submitter. Criteria: Ambry Variant Classification Scheme 2023. Collection method: clinical testing. Allele origin: germline.
Comment: The c.310T>C (p.C104R) alteration is located in exon 3 (coding exon 3) of the TNFRSF13B gene. This alteration results from a T to C substitution at nucleotide position 310, causing the cysteine (C) at amino acid position 104 to be replaced by an arginine (R). Based on data from gnomAD, the C allele has an overall frequency of 0.348% (983/282890) total alleles studied. The highest observed frequency was 0.54% (697/129190) of European (non-Finnish) alleles. This variant has been identified in the homozygous state and/or in conjunction with other TNFRSF13B variants in multiple individuals with features consistent with TNFRSF13B-related common variable immunodeficiency; in at least one instance, the variants were identified in trans (Salzer, 2009; Pulvirenti, 2016; Erman, 2024). Additionally, another variant at the same codon, c.311G>A (p.C104Y), has been identified in individual(s) with features consistent with TNFRSF13B-related common variable immunodeficiency (Salzer, 2009). This amino acid position is highly conserved in available vertebrate species. This alteration is predicted to be deleterious by in silico analysis. Based on the available evidence, this alteration is classified as pathogenic.

OLLIN Analises Genomicas, OLLIN
Classification: Pathogenic for Immunodeficiency, common variable, 2. Last evaluated: 2026-02-13. Review status: criteria provided, single submitter. Criteria: ACMG Guidelines 2015 PMID 25741868. Collection method: clinical testing. Allele origin: germline. Observed: 1 variant allele.
Comment: PM3_VS, PM5, PP3_M, PP1, BS1